The following is an entry in ClinVar:

ClinVar aggregate classification (germline): Uncertain significance (1 of 4 stars; one submission).

Submission:

Labcorp Genetics (formerly Invitae), Labcorp
Classification: Uncertain significance. Last evaluated: 2024-10-22. Review status: criteria provided, single submitter. Criteria: Invitae Variant Classification Sherloc (09022015). Collection method: clinical testing. Allele origin: germline.
Comment: This sequence change replaces glutamine, which is neutral and polar, with arginine, which is basic and polar, at codon 105 of the IHH protein (p.Gln105Arg). This variant is not present in population databases (gnomAD no frequency). This variant has not been reported in the literature in individuals affected with IHH-related conditions. ClinVar contains an entry for this variant (Variation ID: 2016517). An algorithm developed to predict the effect of missense changes on protein structure and function (PolyPhen-2) suggests that this variant is likely to be disruptive. In summary, the available evidence is currently insufficient to determine the role of this variant in disease. Therefore, it has been classified as a Variant of Uncertain Significance.

NM_002181.4(IHH):c.314A>G (p.Gln105Arg)

Gene: IHH (Indian hedgehog signaling molecule; minus strand). Cytogenetic location: 2q35.
Variant type: single nucleotide variant.
Coding change: c.314A>G on transcript NM_002181.4 (MANE Select); coding-DNA position 314, A replaced by G.
Protein change: p.Gln105Arg; replaces glutamine 105 with arginine.
Molecular consequence: missense variant.
Genome position (GRCh38, 1-based): chr2:219,060,154, T>C on the plus strand (A>G on the coding strand, the complement: IHH is on the minus strand). VCF-style: chr2-219060154-T-C. GRCh37 (hg19) VCF-style: chr2-219924876-T-C.
Other names: short protein forms Q105R.
Identifiers: ClinVar variation 2016517 (VCV002016517.4), dbSNP rs1200136536, ClinGen allele CA350636611.